The following is an entry in ClinVar:

NM_015450.3(POT1):c.1568C>T (p.Ser523Leu)

Gene: POT1 (protection of telomeres 1; minus strand). Cytogenetic location: 7q31.33.
Variant type: single nucleotide variant.
Coding change: c.1568C>T on transcript NM_015450.3 (MANE Select); coding-DNA position 1568, C replaced by T.
Protein change: p.Ser523Leu; replaces serine 523 with leucine.
Molecular consequence: missense variant. On other transcripts: non-coding transcript variant (2).
Genome position (GRCh38, 1-based): chr7:124,829,280, G>A on the plus strand (C>T on the coding strand, the complement: POT1 is on the minus strand). VCF-style: chr7-124829280-G-A. GRCh37 (hg19) VCF-style: chr7-124469334-G-A.
Other names: c.1175C>T, p.Ser392Leu (NM_001042594.2); short protein forms S392L, S523L.
Identifiers: ClinVar variation 946841 (VCV000946841.13), dbSNP rs139388603, ClinGen allele CA369064407.
Genomic context (GRCh38, chr7:124,829,280, plus strand): 5'-AGTTAAAATTGCAGGGCATGGAAATTTAGCTAACCTTCTGCCACAGAAGAAGGAATCCAC[G>A]ATGTTTTATCAACCAGGGAATTTAGATTTTGTATGGATCTCAAACTAGAACACTGTTTAC-3'
Protein context (NP_056265.2, residues 513-533): QNLNSLVDKT[Ser523Leu]WIPSSVAEAL

ClinVar aggregate classification (germline): Conflicting classifications of pathogenicity. Review status: criteria provided, conflicting classifications (1 of 4 stars). 3 submissions from 3 submitters: Uncertain significance (2); Likely benign (1). Last evaluated 2025-07-03.

Conditions:
Hereditary cancer-predisposing syndrome. Also called: Neoplastic Syndromes, Hereditary; Tumor predisposition; Hereditary Cancer Syndrome; Hereditary neoplastic syndrome. Identifiers: Orphanet 140162, MedGen C0027672, MeSH D009386, MONDO:0015356.
Tumor predisposition syndrome 3 (TPDS3). Also called: Glioma susceptibility 9; LONG TELOMERE SYNDROME, POT1-RELATED; POT1 Tumor Predisposition; Melanoma, cutaneous malignant, susceptibility to, 10. Identifiers: Orphanet 618, MedGen C4014476, MONDO:0014368, OMIM 615848.

gnomAD v4.1: 3 of 1,604,900 alleles (0.00019%); highest among the groups gnomAD compares: South Asian, 0.0022%; no homozygotes.

Submissions (3):

Labcorp Genetics (formerly Invitae), Labcorp
Classification: Uncertain significance for Tumor predisposition syndrome 3. Last evaluated: 2025-07-03. Review status: criteria provided, single submitter. Criteria: Invitae Variant Classification Sherloc (09022015). Collection method: clinical testing. Allele origin: germline.
Comment: This sequence change replaces serine, which is neutral and polar, with leucine, which is neutral and non-polar, at codon 523 of the POT1 protein (p.Ser523Leu). This variant is not present in population databases (gnomAD no frequency). This variant has not been reported in the literature in individuals affected with POT1-related conditions. ClinVar contains an entry for this variant (Variation ID: 946841). Invitae Evidence Modeling of protein sequence and biophysical properties (such as structural, functional, and spatial information, amino acid conservation, physicochemical variation, residue mobility, and thermodynamic stability) indicates that this missense variant is not expected to disrupt POT1 protein function with a negative predictive value of 80%. Algorithms developed to predict the effect of sequence changes on RNA splicing suggest that this variant may disrupt the consensus splice site. In summary, the available evidence is currently insufficient to determine the role of this variant in disease. Therefore, it has been classified as a Variant of Uncertain Significance.

Ambry Genetics
Classification: Likely benign for Hereditary cancer-predisposing syndrome. Last evaluated: 2025-02-12. Review status: criteria provided, single submitter. Criteria: Ambry Variant Classification Scheme 2023. Collection method: clinical testing. Allele origin: germline.

Genetic Services Laboratory, University of Chicago
Classification: Uncertain significance. Last evaluated: 2023-09-06. Review status: criteria provided, single submitter. Criteria: ACMG Guidelines, 2015. Collection method: clinical testing. Allele origin: germline. Affected: no.
Comment: DNA sequence analysis of the POT1 gene demonstrated a sequence change, c.1568C>T, in exon 16 that results in an amino acid change, p.Ser523Leu. This sequence change does not appear to have been previously described in individuals with POT1-related disorders and has also not been described in population databases such as ExAC and gnomAD. The p.Ser523Leu change affects a poorly conserved amino acid residue located in a domain of the POT1 protein that is not known to be functional. The p.Ser523Leu substitution appears to be benign using several in-silico pathogenicity prediction tools (SIFT, PolyPhen2, Align GVGD, REVEL). Due to insufficient evidences and the lack of functional studies, the clinical significance of the p.Ser523Leu change remains unknown at this time.